The following is an entry in ClinVar:

ClinVar aggregate classification (germline): Uncertain significance. Review status: criteria provided, multiple submitters, no conflicts (2 of 4 stars). 2 submissions from 2 submitters: Uncertain significance (2). Last evaluated 2023-07-11.

Conditions:
Mucopolysaccharidosis type 6 (MPS6). Also called: N-ACETYLGALACTOSAMINE-4-SULFATASE DEFICIENCY; MPS VI; MPS 6; Maroteaux Lamy syndrome; ARSB DEFICIENCY; ARYLSULFATASE B DEFICIENCY. Identifiers: Orphanet 583, MedGen C0026709, MONDO:0009661, OMIM 253200.

Allele frequency attached by ClinVar (database versions not stated): gnomAD exomes below 0.00001; TOPMed below 0.00001.
gnomAD v4.1: 2 of 1,543,948 alleles (0.00013%); highest among the groups gnomAD compares: South Asian, 0.0024%; no homozygotes.

Submissions (2):

Women's Health and Genetics/Laboratory Corporation of America, LabCorp
Classification: Uncertain significance. Last evaluated: 2023-07-11. Review status: criteria provided, single submitter. Criteria: LabCorp Variant Classification Summary - May 2015. Collection method: clinical testing. Allele origin: germline.
Comment: Variant summary: ARSB c.175G>A (p.Asp59Asn) results in a conservative amino acid change located in the sulfatase, N-terminal domain (IPR000917) of the encoded protein sequence. Four of five in-silico tools predict a damaging effect of the variant on protein function. The variant was absent in 182070 control chromosomes (gnomAD). The available data on variant occurrences in the general population are insufficient to allow any conclusion about variant significance. c.175G>A has been reported in the literature in the heterozygous state in two Brazilian individuals affected with Mucopolysaccharidosis Type VI (Maroteaux-Lamy Syndrome) (Petry_2005, Horovitz_2015). These reports do not provide unequivocal conclusions about association of the variant with Mucopolysaccharidosis Type VI (Maroteaux-Lamy Syndrome). To our knowledge, no experimental evidence demonstrating an impact on protein function has been reported. The following publications have been ascertained in the context of this evaluation (PMID: 28649537, 16435196). One submitter has provided a clinical-significance assessments for this variant to ClinVar after 2014 and has classified the variant as uncertain significance. Based on the evidence outlined above, the variant was classified as uncertain significance.

Laboratory of Diagnosis and Therapy of Lysosomal Disorders, University of Padova
Classification: Uncertain significance for Mucopolysaccharidosis type 6. Last evaluated: 2018-01-01. Review status: criteria provided, single submitter. Criteria: ACMG Guidelines, 2015. Collection method: curation. Allele origin: germline. Affected: yes.
Comment: Absent from GnomAD (PM2);

Literature cited by the submitters: PubMed 16435196 (cited by Women's Health and Genetics/Laboratory Corporation of America, LabCorp and Laboratory of Diagnosis and Therapy of Lysosomal Disorders, University of Padova); PubMed 28649537 (cited by Women's Health and Genetics/Laboratory Corporation of America, LabCorp and Laboratory of Diagnosis and Therapy of Lysosomal Disorders, University of Padova); PubMed 30118150 (cited by Laboratory of Diagnosis and Therapy of Lysosomal Disorders, University of Padova).

NM_000046.5(ARSB):c.175G>A (p.Asp59Asn)

Genes: ARSB (arylsulfatase B; minus strand), LOC129994126 (ATAC-STARR-seq lymphoblastoid silent region 16127; plus strand). Cytogenetic location: 5q14.1.
Variant type: single nucleotide variant.
Coding change: c.175G>A on transcript NM_000046.5 (MANE Select); coding-DNA position 175, G replaced by A.
Protein change: p.Asp59Asn; replaces aspartic acid 59 with asparagine.
Molecular consequence: missense variant.
Genome position (GRCh38, 1-based): chr5:78,985,074, C>T on the plus strand (G>A on the coding strand, the complement: ARSB is on the minus strand). VCF-style: chr5-78985074-C-T. GRCh37 (hg19) VCF-style: chr5-78280897-C-T.
Other names: c.175G>A, p.Asp59Asn (NM_198709.3); c.175G>A (NM_000046.3); short protein forms D59N.
Identifiers: ClinVar variation 559733 (VCV000559733.2), dbSNP rs1236509896, ClinGen allele CA360196860.